The following is an entry in ClinVar:

ClinVar aggregate classification (germline): Likely benign. Review status: criteria provided, single submitter (1 of 4 stars). 2 submissions from 2 submitters: Likely benign (1). 1 of the submissions does not count toward it. Last evaluated 2023-01-17.

Conditions:
PCNT-related disorder. Also called: PCNT-related condition.

gnomAD v4.1: 2 of 1,614,188 alleles (0.00012%); highest among the groups gnomAD compares: East Asian, 0.0045%; no homozygotes.

Submissions (2):

Labcorp Genetics (formerly Invitae), Labcorp
Classification: Likely benign. Last evaluated: 2023-01-17. Review status: criteria provided, single submitter. Criteria: Invitae Variant Classification Sherloc (09022015). Collection method: clinical testing. Allele origin: germline.

PreventionGenetics, part of Exact Sciences
Classification: Likely benign for PCNT-related condition. Last evaluated: 2024-04-10. Review status: no assertion criteria provided. Collection method: clinical testing. Allele origin: germline. Not counted in ClinVar's aggregate classification.
Comment: This variant is classified as likely benign based on ACMG/AMP sequence variant interpretation guidelines (Richards et al. 2015 PMID: 25741868, with internal and published modifications).

NM_006031.6(PCNT):c.4408C>T (p.Leu1470=)

Gene: PCNT (pericentrin; plus strand). Cytogenetic location: 21q22.3.
Variant type: single nucleotide variant.
Coding change: c.4408C>T on transcript NM_006031.6 (MANE Select); coding-DNA position 4408, C replaced by T.
Protein change: p.Leu1470=; no amino-acid change (leucine 1470 retained).
Molecular consequence: synonymous variant.
Genome position (GRCh38, 1-based): chr21:46,397,456, C>T. VCF-style: chr21-46397456-C-T. GRCh37 (hg19) VCF-style: chr21-47817370-C-T.
Other names: c.4054C>T, p.Leu1352= (NM_001315529.2); c.4408C>T (NM_006031.5).
Identifiers: ClinVar variation 2886686 (VCV002886686.4), dbSNP rs1234804488, ClinGen allele CA513174128.